The following is an entry in ClinVar:

NM_016239.4(MYO15A):c.4879G>T (p.Glu1627Ter)

Gene: MYO15A (myosin XVA; plus strand). Cytogenetic location: 17p11.2.
Variant type: single nucleotide variant.
Coding change: c.4879G>T on transcript NM_016239.4 (MANE Select); coding-DNA position 4879, G replaced by T.
Protein change: p.Glu1627Ter; replaces glutamic acid 1627 with a stop codon.
Molecular consequence: nonsense.
Genome position (GRCh38, 1-based): chr17:18,138,118, G>T. VCF-style: chr17-18138118-G-T. GRCh37 (hg19) VCF-style: chr17-18041432-G-T.
Other names: short protein forms E1627*.
Identifiers: ClinVar variation 691339 (VCV000691339.2), dbSNP rs1597787868, ClinGen allele CA398597016.
Genomic context (GRCh38, chr17:18,138,118, plus strand): 5'-GTGGGTGGGCCCTGGACAGGGATGGGAGGTTGAGCTCCTGCTGCCCACTGCCTGCAGGAG[G>T]AGTACATCCGTGAGCAGATAGACTGGCAGGAGATCACCTTTGCTGACAACCAGCCCTGCA-3'

ClinVar aggregate classification (germline): Pathogenic (0 of 4 stars; one submission).

Conditions:
Autosomal recessive nonsyndromic hearing loss 3. Also called: NEUROSENSORY NONSYNDROMIC RECESSIVE DEAFNESS 3. Identifiers: Orphanet 90636, MedGen C1838263, MONDO:0010860, OMIM 600316.

Submission:

Laboratory of Molecular Genetics, Brain Korea 21 PLUS Project for Medical Sciences, Yonsei University College of Medicine
Classification: Pathogenic for Autosomal recessive nonsyndromic hearing loss 3. Last evaluated: 2019-08-28. Review status: no assertion criteria provided. Collection method: research. Allele origin: germline. Inheritance: Autosomal recessive inheritance. Affected: yes.